The following is an entry in ClinVar:

ClinVar aggregate classification (germline): Uncertain significance (1 of 4 stars; one submission).

Submission:

Labcorp Genetics (formerly Invitae), Labcorp
Classification: Uncertain significance. Last evaluated: 2025-03-05. Review status: criteria provided, single submitter. Criteria: Invitae Variant Classification Sherloc (09022015). Collection method: clinical testing. Allele origin: germline.
Comment: This sequence change replaces proline, which is neutral and non-polar, with arginine, which is basic and polar, at codon 1918 of the HMCN1 protein (p.Pro1918Arg). This variant is not present in population databases (gnomAD no frequency). This variant has not been reported in the literature in individuals affected with HMCN1-related conditions. An algorithm developed to predict the effect of missense changes on protein structure and function (PolyPhen-2) suggests that this variant is likely to be disruptive. In summary, the available evidence is currently insufficient to determine the role of this variant in disease. Therefore, it has been classified as a Variant of Uncertain Significance.

NM_031935.3(HMCN1):c.5753C>G (p.Pro1918Arg)

Gene: HMCN1 (hemicentin 1; plus strand). Cytogenetic location: 1q31.1.
Variant type: single nucleotide variant.
Coding change: c.5753C>G on transcript NM_031935.3 (MANE Select); coding-DNA position 5753, C replaced by G.
Protein change: p.Pro1918Arg; replaces proline 1918 with arginine.
Molecular consequence: missense variant.
Genome position (GRCh38, 1-based): chr1:186,037,937, C>G. VCF-style: chr1-186037937-C-G. GRCh37 (hg19) VCF-style: chr1-186007069-C-G.
Other names: short protein forms P1918R.
Identifiers: ClinVar variation 4714374 (VCV004714374.1).
Genomic context (GRCh38, chr1:186,037,937, plus strand): 5'-ATTTCAGCTTAAATATTCTACTTATAAGAAATAATTATCTGTTTGGGCCTCTTGTAGAAC[C>G]ACCTAGTCTGGAAGATGCTGGAAAAATGCTGAATGAGACTGTGTTGGTGAGCAACCCTGT-3'
Protein context (NP_114141.2, residues 1908-1928): QQHIQLHVHE[Pro1918Arg]PSLEDAGKML